The following is an entry in ClinVar:

NM_022166.4(XYLT1):c.2674C>T (p.Arg892Trp)

Gene: XYLT1 (xylosyltransferase 1; minus strand). Cytogenetic location: 16p12.3.
Variant type: single nucleotide variant.
Coding change: c.2674C>T on transcript NM_022166.4 (MANE Select); coding-DNA position 2674, C replaced by T.
Protein change: p.Arg892Trp; replaces arginine 892 with tryptophan.
Molecular consequence: missense variant.
Genome position (GRCh38, 1-based): chr16:17,108,901, G>A on the plus strand (C>T on the coding strand, the complement: XYLT1 is on the minus strand). VCF-style: chr16-17108901-G-A. GRCh37 (hg19) VCF-style: chr16-17202758-G-A.
Other names: short protein forms R892W.
Identifiers: ClinVar variation 2177099 (VCV002177099.1), dbSNP rs139025663, ClinGen allele CA7927508.

ClinVar aggregate classification (germline): Uncertain significance (1 of 4 stars; one submission).

Conditions:
Desbuquois dysplasia 1 (DBQD1). Also called: DESBUQUOIS DYSPLASIA 1, KIM VARIANT; MICROMELIC DWARFISM WITH VERTEBRAL AND METAPHYSEAL ABNORMALITIES AND ADVANCED CARPOTARSAL OSSIFICATION. Identifiers: Orphanet 1425, MedGen C4012146, MONDO:0009629, OMIM 251450.

gnomAD v4.1: 40 of 1,607,976 alleles (0.0025%); highest among the groups gnomAD compares: Admixed American, 0.035%; no homozygotes.

Submission:

Labcorp Genetics (formerly Invitae), Labcorp
Classification: Uncertain significance for Desbuquois dysplasia 1. Last evaluated: 2022-05-06. Review status: criteria provided, single submitter. Criteria: Invitae Variant Classification Sherloc (09022015). Collection method: clinical testing. Allele origin: germline.
Comment: This sequence change replaces arginine, which is basic and polar, with tryptophan, which is neutral and slightly polar, at codon 892 of the XYLT1 protein (p.Arg892Trp). This variant is present in population databases (rs139025663, gnomAD 0.05%). This variant has not been reported in the literature in individuals affected with XYLT1-related conditions. Algorithms developed to predict the effect of missense changes on protein structure and function are either unavailable or do not agree on the potential impact of this missense change (SIFT: "Deleterious"; PolyPhen-2: "Possibly Damaging"; Align-GVGD: "Class C0"). In summary, the available evidence is currently insufficient to determine the role of this variant in disease. Therefore, it has been classified as a Variant of Uncertain Significance.